The following is an entry in ClinVar:

ClinVar aggregate classification (germline): Likely benign (0 of 4 stars; one submission).

Conditions:
IRS1-related disorder. Also called: IRS1-related condition.

Allele frequency attached by ClinVar (database versions not stated): gnomAD 0.00001; TOPMed 0.00001; gnomAD exomes 0.00002; ExAC 0.00009; 1000 Genomes Project 30x 0.00016; 1000 Genomes Project 0.00020.

Submission:

PreventionGenetics, part of Exact Sciences
Classification: Likely benign for IRS1-related condition. Last evaluated: 2019-11-16. Review status: no assertion criteria provided. Collection method: clinical testing. Allele origin: germline.
Comment: This variant is classified as likely benign based on ACMG/AMP sequence variant interpretation guidelines (Richards et al. 2015 PMID: 25741868, with internal and published modifications).

NM_005544.3(IRS1):c.264C>G (p.Thr88=)

Gene: IRS1 (insulin receptor substrate 1; minus strand). Cytogenetic location: 2q36.3.
Variant type: single nucleotide variant.
Coding change: c.264C>G on transcript NM_005544.3 (MANE Select); coding-DNA position 264, C replaced by G.
Protein change: p.Thr88=; no amino-acid change (threonine 88 retained).
Molecular consequence: synonymous variant.
Genome position (GRCh38, 1-based): chr2:226,798,475, G>C on the plus strand (C>G on the coding strand, the complement: IRS1 is on the minus strand). VCF-style: chr2-226798475-G-C. GRCh37 (hg19) VCF-style: chr2-227663191-G-C.
Identifiers: ClinVar variation 3048031 (VCV003048031.2), dbSNP rs556393597, ClinGen allele CA2143564.